The following is an entry in ClinVar:

ClinVar aggregate classification (germline): Uncertain significance. Review status: criteria provided, multiple submitters, no conflicts (2 of 4 stars). 11 submissions from 8 submitters: Uncertain significance (9). 2 of the submissions do not count toward it. Last evaluated 2026-05-22.

Conditions:
Hereditary persistence of fetal hemoglobin. Identifiers: MedGen C0019025, MONDO:0020989, OMIM 141749.
METHEMOGLOBINEMIA, BETA TYPE. Also called: Methemoglobinemia, beta-globin type. Identifiers: MedGen C1840779, OMIM 617971.
Malaria, susceptibility to. Identifiers: Orphanet 673, MedGen C1970028, MONDO:0021024, OMIM 611162.
Dominant beta-thalassemia. Also called: Beta-thalassemia, dominant inclusion body type. Identifiers: Orphanet 231226, Orphanet 848, MedGen C1858990, MONDO:0011381, OMIM 603902.
Beta-thalassemia HBB/LCRB. Identifiers: MedGen CN322236, MONDO:0013517, OMIM 613985.
Erythrocytosis, familial, 6. Also called: ERYTHROCYTOSIS, BETA-GLOBIN TYPE; POLYCYTHEMIA, BETA-GLOBIN TYPE. Identifiers: MedGen C4693822, MONDO:0054801, OMIM 617980.
Hb SS disease (SCD). Also called: Hemoglobin SS; Sickle cell anemia; Sickle cell disease; HbS disease; Hemoglobin S Disease; Sickling disorder due to hemoglobin S. Identifiers: Orphanet 232, Orphanet 275752, MedGen C0002895, MONDO:0011382, OMIM 603903.
Heinz body anemia. Also called: Heinz body hemolytic anemia. Identifiers: Orphanet 178330, MedGen C0700299, MONDO:0007705, OMIM 140700, HP:0005511.
beta Thalassemia (BTHAL). Also called: Cooley's anemia; Erythroblastic anemia; Mediterranean anemia. Identifiers: Orphanet 848, MedGen C0005283, MONDO:0019402. Disease mechanism: loss of function.
Fetal hemoglobin quantitative trait locus 1 (HBFQTL1). Identifiers: Orphanet 251380, MedGen C1841621.
HEMOGLOBIN HAMILTON.
Hemoglobin E. Identifiers: MedGen C3889325.

Allele frequency attached by ClinVar (database versions not stated): gnomAD 0.00006 and 0.00007; gnomAD exomes 0.00005 and 0.00006; ExAC 0.00005; TOPMed 0.00008.
gnomAD v4.1: 88 of 1,613,042 alleles (0.0055%); highest among the groups gnomAD compares: African/African-American, 0.008%; no homozygotes.

Submissions (11):

Women's Health and Genetics/Laboratory Corporation of America, LabCorp
Classification: Uncertain significance. Last evaluated: 2026-05-22. Review status: criteria provided, single submitter. Criteria: LabCorp Variant Classification Summary - May 2015. Collection method: clinical testing. Allele origin: germline.
Comment: Variant summary: HBB c.34G>A (p.Val12Ile) results in a conservative amino acid change in the encoded protein sequence. Algorithms developed to predict the effect of missense changes on protein structure and function all suggest that this variant is likely to be tolerated. The variant allele was found at a frequency of 6e-05 in 251232 control chromosomes. This frequency is not significantly higher than estimated for disease-causing variants in HBB, allowing no conclusion about variant significance. c.34G>A has been observed in heterozygous individual(s) with moderate/mild anemia or no symptoms (e.g. Manca_1987, Su_1992, Brunner-Agten_2010, Xinh_2022, Huang_2024). These reports do not provide unequivocal conclusions about association of the variant with Hemoglobinopathy. Co-occurrence with a pathogenic variant on the same allele has been reported in a child affected with sickle cell syndrome (HBB c.364G>A, p.Glu122Lys; Prehu_2002), providing supporting evidence for a benign role. To our knowledge, no experimental evidence demonstrating an impact on protein function has been reported. The following publications have been ascertained in the context of this evaluation (PMID: 19727720, 35982160, 3623977, 11939508, 29319890, 1428944, 35023007, 35982159, 36630651). ClinVar contains an entry for this variant (Variation ID: 15189). Based on the evidence outlined above, the variant was classified as VUS-possibly benign.

Quest Diagnostics Nichols Institute San Juan Capistrano
Classification: Uncertain significance. Last evaluated: 2025-02-17. Review status: criteria provided, single submitter. Criteria: Quest Diagnostics criteria. Collection method: clinical testing. Allele origin: unknown.
Comment: The HBB c.34G>A (p.Val12Ile) variant has been reported in the published literature in heterozygous individuals with a normal clinical presentation (PMIDs: 1428944 (1992), 19429541 (2009), 19727720 (2010)). Additionally, this variant is described as having normal stability (HbVar) and not damaging to protein function (PMID: 6695908 (1984)). Analysis of this variant using bioinformatics tools for the prediction of the effect of amino acid changes on protein structure and function yielded predictions that this variant is benign. Based on the available information, we are unable to determine the clinical significance of this variant.

Fulgent Genetics
Classification: Uncertain significance for Heinz body anemia; Hereditary persistence of fetal hemoglobin; Dominant beta-thalassemia; Hb SS disease; Malaria, susceptibility to; Beta-thalassemia HBB/LCRB; METHEMOGLOBINEMIA, BETA TYPE; Erythrocytosis, familial, 6. Last evaluated: 2024-06-18. Review status: criteria provided, single submitter. Criteria: ACMG Guidelines, 2015. Collection method: clinical testing. Allele origin: germline.

Labcorp Genetics (formerly Invitae), Labcorp
Classification: Uncertain significance. Last evaluated: 2018-07-26. Review status: criteria provided, single submitter. Criteria: Invitae Variant Classification Sherloc (09022015). Collection method: clinical testing. Allele origin: germline.
Comment: This sequence change replaces valine with isoleucine at codon 12 of the HBB protein (p.Val12Ile). The valine residue is weakly conserved and there is a small physicochemical difference between valine and isoleucine. This variant is present in population databases (rs33974228, ExAC 0.01%). This variant has been observed in individuals with HBB-related conditions (PMID: 19727720) and has been observed in healthy individuals as well (PMID:¬†1610915,¬†3623977). This variant is known as Hb Hamilton in the literature. ClinVar contains an entry for this variant (Variation ID: 15189, 15596). Algorithms developed to predict the effect of missense changes on protein structure and function output the following: SIFT: "Tolerated"; PolyPhen-2: "Benign"; Align-GVGD: "Class C0". The isoleucine amino acid residue is found in multiple mammalian species, suggesting that this missense change does not adversely affect protein function. These predictions have not been confirmed by published functional studies and their clinical significance is uncertain. In summary, the available evidence is currently insufficient to determine the role of this variant in disease. Therefore, it has been classified as a Variant of Uncertain Significance.

ARUP Laboratories, Molecular Genetics and Genomics, ARUP Laboratories
Classification: Uncertain significance. Last evaluated: 2018-03-23. Review status: criteria provided, single submitter. Criteria: ARUP Molecular Germline Variant Investigation Process. Collection method: clinical testing. Allele origin: germline.
Comment: The Hb Hamilton variant (HBB: c.34G>A; Val11Ile) (rs33974228) is not associated with clinical symptoms in heterozygous carriers and demonstrates normal function and relative stability (see HbVar database link and references therein). However, its phenotype when found with other pathogenic globin variants is unknown. Hb Hamilton does not affect the net charge and thus is not detectable by HPLC (see HbVar database link and references therein). This variant is reported in ClinVar (Variation ID: 15189) and is observed in 1:400 live births in the Sardinian population (see HbVar database link and references therein). Based on available information, the clinical significance of this variant is uncertain at this time. REFERENCES HbVar link

Illumina Laboratory Services, Illumina
Classification: Uncertain significance for Beta-thalassemia HBB/LCRB. Last evaluated: 2017-04-28. Review status: criteria provided, single submitter. Criteria: ICSL Variant Classification Criteria 13 December 2019. Collection method: clinical testing. Allele origin: germline.
Comment: This variant was observed as part of a predisposition screen in an ostensibly healthy population. A literature search was performed for the gene, cDNA change, and amino acid change (where applicable). Publications were found based on this search. However, the evidence from the literature, in combination with allele frequency data from public databases where available, was not sufficient to rule this variant in or out of causing disease. Therefore, this variant is classified as a variant of unknown significance.

Illumina Laboratory Services, Illumina
Classification: Uncertain significance for Hereditary persistence of fetal hemoglobin. Last evaluated: 2017-04-28. Review status: criteria provided, single submitter. Criteria: ICSL Variant Classification Criteria 13 December 2019. Collection method: clinical testing. Allele origin: germline.

Illumina Laboratory Services, Illumina
Classification: Uncertain significance for Hb SS disease. Last evaluated: 2017-04-28. Review status: criteria provided, single submitter. Criteria: ICSL Variant Classification Criteria 13 December 2019. Collection method: clinical testing. Allele origin: germline.

Illumina Laboratory Services, Illumina
Classification: Uncertain significance for Hemoglobin E. Last evaluated: 2017-04-28. Review status: criteria provided, single submitter. Criteria: ICSL Variant Classification Criteria 13 December 2019. Collection method: clinical testing. Allele origin: germline.

OMIM
Classification: other for HEMOGLOBIN HAMILTON. Last evaluated: 2017-12-12. Review status: no assertion criteria provided. Collection method: literature only. Allele origin: germline. Not counted in ClinVar's aggregate classification.

Natera, Inc.
Classification: Uncertain significance for Beta thalassemia. Last evaluated: 2017-09-28. Review status: no assertion criteria provided. Collection method: clinical testing. Allele origin: germline. Not counted in ClinVar's aggregate classification.

Literature cited by the submitters: PubMed 11939508 (cited by Women's Health and Genetics/Laboratory Corporation of America, LabCorp); PubMed 1428944 (cited by 3 submitters); PubMed 19727720 (cited by 4 submitters); PubMed 3623977 (cited by 4 submitters); PubMed 29319890 (cited by Women's Health and Genetics/Laboratory Corporation of America, LabCorp); PubMed 35023007 (cited by Women's Health and Genetics/Laboratory Corporation of America, LabCorp and Quest Diagnostics Nichols Institute San Juan Capistrano); PubMed 35982160 (cited by Women's Health and Genetics/Laboratory Corporation of America, LabCorp); PubMed 35982159 (cited by Women's Health and Genetics/Laboratory Corporation of America, LabCorp); PubMed 36630651 (cited by Women's Health and Genetics/Laboratory Corporation of America, LabCorp); PubMed 28865746 (cited by Quest Diagnostics Nichols Institute San Juan Capistrano); PubMed 1610915 (cited by 3 submitters); PubMed 24055728 (cited by Quest Diagnostics Nichols Institute San Juan Capistrano and Illumina Laboratory Services, Illumina); PubMed 31553106 (cited by Quest Diagnostics Nichols Institute San Juan Capistrano); PubMed 32472543 (cited by Quest Diagnostics Nichols Institute San Juan Capistrano); PubMed 19429541 (cited by Quest Diagnostics Nichols Institute San Juan Capistrano and Illumina Laboratory Services, Illumina); PubMed 6695908 (cited by 3 submitters).

NM_000518.4(HBB):c.34G>A (p.Val12Ile)

Genes: HBB (hemoglobin subunit beta; minus strand), LOC106099062 (HBB recombination region; plus strand), LOC107133510 (origin of replication at HBB; plus strand). Cytogenetic location: 11p15.4.
Variant type: single nucleotide variant.
Coding change: c.34G>A on transcript NM_000518.4; coding-DNA position 34, G replaced by A.
Protein change: p.Val12Ile; replaces valine 12 with isoleucine.
Molecular consequence: missense variant (on NM_000518.5).
Genome position (GRCh38, 1-based): chr11:5,226,988, C>T on the plus strand (G>A on the coding strand, the complement: HBB is on the minus strand). VCF-style: chr11-5226988-C-T. GRCh37 (hg19) VCF-style: chr11-5248218-C-T.
Other names: V11I; c.34G>A, p.Val12Ile (NM_000518.5); short protein forms V12I.
Identifiers: ClinVar variation 15189 (VCV000015189.35), dbSNP rs33974228, ClinGen allele CA124888.